The following is an entry in ClinVar:

NM_004629.2(FANCG):c.1153C>A (p.Pro385Thr)

Gene: FANCG (FA complementation group G; minus strand). Cytogenetic location: 9p13.3.
Variant type: single nucleotide variant.
Coding change: c.1153C>A on transcript NM_004629.2 (MANE Select); coding-DNA position 1153, C replaced by A.
Protein change: p.Pro385Thr; replaces proline 385 with threonine.
Molecular consequence: missense variant.
Genome position (GRCh38, 1-based): chr9:35,075,745, G>T on the plus strand (C>A on the coding strand, the complement: FANCG is on the minus strand). VCF-style: chr9-35075745-G-T. GRCh37 (hg19) VCF-style: chr9-35075742-G-T.
Other names: short protein forms P385T.
Identifiers: ClinVar variation 929694 (VCV000929694.4), dbSNP rs1288516919, ClinGen allele CA373309672.
Genomic context (GRCh38, chr9:35,075,745, plus strand): 5'-TCAGTGCTACCGCTGCCTCCAAAAACACCTCAGGCATACAGGGCCCTGGAGGGGAGGGGG[G>T]TGGGGAGAACTGGAGTGGGAAGAAGAAGCAGTGTCTTGAAAGGCATGAGCCACCATCCCC-3'
Protein context (NP_004620.1, residues 375-395): LDSSEPRFSP[Pro385Thr]PSPPGPCMPE

ClinVar aggregate classification (germline): Uncertain significance. Review status: criteria provided, multiple submitters, no conflicts (2 of 4 stars). 3 submissions from 3 submitters: Uncertain significance (2). 1 of the submissions does not count toward it. Last evaluated 2022-07-02.

Conditions:
Fanconi anemia complementation group G. Also called: Fanconi anemia group G; FANCG-Related Fanconi Anemia. Identifiers: Orphanet 84, MedGen C3469527, MONDO:0013565, OMIM 614082.
Fanconi anemia (FA). Also called: Fanconi's anemia. Identifiers: Orphanet 84, MedGen C0015625, MeSH D005199, MONDO:0019391.

Allele frequency attached by ClinVar (database versions not stated): TOPMed 0.00001.

Submissions (3):

Labcorp Genetics (formerly Invitae), Labcorp
Classification: Uncertain significance for Fanconi anemia. Last evaluated: 2022-07-02. Review status: criteria provided, single submitter. Criteria: Invitae Variant Classification Sherloc (09022015). Collection method: clinical testing. Allele origin: germline.
Comment: This sequence change replaces proline, which is neutral and non-polar, with threonine, which is neutral and polar, at codon 385 of the FANCG protein (p.Pro385Thr). This variant is not present in population databases (gnomAD no frequency). This missense change has been observed in individual(s) with Fanconi anemia (PMID: 23613520). ClinVar contains an entry for this variant (Variation ID: 929694). Algorithms developed to predict the effect of missense changes on protein structure and function are either unavailable or do not agree on the potential impact of this missense change (SIFT: "Tolerated"; PolyPhen-2: "Possibly Damaging"; Align-GVGD: "Class C0"). In summary, the available evidence is currently insufficient to determine the role of this variant in disease. Therefore, it has been classified as a Variant of Uncertain Significance.

Blueprint Genetics
Classification: Uncertain significance. Last evaluated: 2022-06-01. Review status: criteria provided, single submitter. Criteria: ACMG Guidelines, 2015. Collection method: clinical testing. Allele origin: germline.

Leiden Open Variation Database
Classification: Uncertain significance for Fanconi anemia complementation group G. Last evaluated: 2013-09-29. Review status: no assertion criteria provided. Collection method: curation. Allele origin: germline. Affected: yes. Not counted in ClinVar's aggregate classification.
Comment: Curator: Arleen D. Auerbach. Submitter to LOVD: Arleen D. Auerbach.

Literature cited by the submitters: PubMed 23613520 (cited by Labcorp Genetics (formerly Invitae), Labcorp and Leiden Open Variation Database).